The following is an entry in ClinVar:

ClinVar aggregate classification (germline): Uncertain significance (1 of 4 stars; one submission).

Allele frequency attached by ClinVar (database versions not stated): gnomAD exomes below 0.00001.

Submission:

Labcorp Genetics (formerly Invitae), Labcorp
Classification: Uncertain significance. Last evaluated: 2023-10-09. Review status: criteria provided, single submitter. Criteria: Invitae Variant Classification Sherloc (09022015). Collection method: clinical testing. Allele origin: germline.
Comment: This sequence change replaces leucine, which is neutral and non-polar, with methionine, which is neutral and non-polar, at codon 105 of the LRRC10 protein (p.Leu105Met). This variant is present in population databases (no rsID available, gnomAD 0.003%). This variant has not been reported in the literature in individuals affected with LRRC10-related conditions. An algorithm developed to predict the effect of missense changes on protein structure and function (PolyPhen-2) suggests that this variant is likely to be disruptive. In summary, the available evidence is currently insufficient to determine the role of this variant in disease. Therefore, it has been classified as a Variant of Uncertain Significance.

NM_201550.4(LRRC10):c.313C>A (p.Leu105Met)

Gene: LRRC10 (leucine rich repeat containing 10; minus strand). Cytogenetic location: 12q15.
Variant type: single nucleotide variant.
Coding change: c.313C>A on transcript NM_201550.4 (MANE Select); coding-DNA position 313, C replaced by A.
Protein change: p.Leu105Met; replaces leucine 105 with methionine.
Molecular consequence: missense variant.
Genome position (GRCh38, 1-based): chr12:69,610,526, G>T on the plus strand (C>A on the coding strand, the complement: LRRC10 is on the minus strand). VCF-style: chr12-69610526-G-T. GRCh37 (hg19) VCF-style: chr12-70004306-G-T.
Other names: short protein forms L105M.
Identifiers: ClinVar variation 3013163 (VCV003013163.3), dbSNP rs865967177, ClinGen allele CA385737035.